The following is an entry in ClinVar:

NM_005502.4(ABCA1):c.5464A>G (p.Met1822Val)

Gene: ABCA1 (ATP binding cassette subfamily A member 1; minus strand). Cytogenetic location: 9q31.1.
Variant type: single nucleotide variant.
Coding change: c.5464A>G on transcript NM_005502.4 (MANE Select); coding-DNA position 5464, A replaced by G.
Protein change: p.Met1822Val; replaces methionine 1822 with valine.
Molecular consequence: missense variant.
Genome position (GRCh38, 1-based): chr9:104,794,429, T>C on the plus strand (A>G on the coding strand, the complement: ABCA1 is on the minus strand). VCF-style: chr9-104794429-T-C. GRCh37 (hg19) VCF-style: chr9-107556710-T-C.
Other names: short protein forms M1822V.
Identifiers: ClinVar variation 1747684 (VCV001747684.2), dbSNP rs778702279, ClinGen allele CA5167825.

ClinVar aggregate classification (germline): Uncertain significance (1 of 4 stars; one submission).

Conditions:
Cardiovascular phenotype. Identifiers: MedGen CN230736.

Allele frequency attached by ClinVar (database versions not stated): gnomAD 0.00001.

Submission:

Ambry Genetics
Classification: Uncertain significance for Cardiovascular phenotype. Last evaluated: 2021-07-15. Review status: criteria provided, single submitter. Criteria: Ambry Variant Classification Scheme 2023. Collection method: clinical testing. Allele origin: germline.
Comment: The p.M1822V variant (also known as c.5464A>G), located in coding exon 39 of the ABCA1 gene, results from an A to G substitution at nucleotide position 5464. The methionine at codon 1822 is replaced by valine, an amino acid with highly similar properties. This amino acid position is conserved. In addition, this alteration is predicted to be deleterious by in silico analysis. Since supporting evidence is limited at this time, the clinical significance of this alteration remains unclear.